The following is an entry in ClinVar:

NM_001367624.2(ZNF469):c.2283G>A (p.Lys761=)

Gene: ZNF469 (zinc finger protein 469; plus strand). Cytogenetic location: 16q24.2.
Variant type: single nucleotide variant.
Coding change: c.2283G>A on transcript NM_001367624.2 (MANE Select); coding-DNA position 2283, G replaced by A.
Protein change: p.Lys761=; no amino-acid change (lysine 761 retained).
Molecular consequence: synonymous variant.
Genome position (GRCh38, 1-based): chr16:88,429,753, G>A. VCF-style: chr16-88429753-G-A. GRCh37 (hg19) VCF-style: chr16-88496161-G-A.
Identifiers: ClinVar variation 2898482 (VCV002898482.5), dbSNP rs1235764548, ClinGen allele CA497353530.
Genomic context (GRCh38, chr16:88,429,753, plus strand): 5'-CAGCCTGGCGGCCTTCCTGGCCCACCGGCAGTTCTGTGGCCTGCTCCTGGCCAGGGCCAA[G>A]GATGGCCACCAGCGGTCTCCAGGCCCCCCTGGGCTCCCCTCGCCCCCCGCTGCCCCCAGA-3'
Protein context (NP_001354553.1, residues 751-771): QFCGLLLARA[Lys761=]DGHQRSPGPP

ClinVar aggregate classification (germline): Likely benign. Review status: criteria provided, multiple submitters, no conflicts (2 of 4 stars). 2 submissions from 2 submitters: Likely benign (2). Last evaluated 2024-11-29.

Allele frequency attached by ClinVar (database versions not stated): TOPMed below 0.00001.
gnomAD v4.1: 4 of 1,544,756 alleles (0.00026%); highest among the groups gnomAD compares: Admixed American, 0.002%; no homozygotes.

Submissions (2):

Women's Health and Genetics/Laboratory Corporation of America, LabCorp
Classification: Likely benign. Last evaluated: 2024-11-29. Review status: criteria provided, single submitter. Criteria: LabCorp Variant Classification Summary - May 2015. Collection method: clinical testing. Allele origin: germline.
Comment: Variant summary: ZNF469 c.2283G>A alters a non-conserved nucleotide resulting in a synonymous change. Consensus agreement among computation tools predict no significant impact on normal splicing. However, these predictions have yet to be confirmed by functional studies. The variant allele was found at a frequency of 7e-06 in 141874 control chromosomes. The available data on variant occurrences in the general population are insufficient to allow any conclusion about variant significance. To our knowledge, no occurrence of c.2283G>A in individuals affected with Brittle cornea syndrome 1 and no experimental evidence demonstrating its impact on protein function have been reported. ClinVar contains an entry for this variant (Variation ID: 2898482). Based on the evidence outlined above, the variant was classified as likely benign.

Labcorp Genetics (formerly Invitae), Labcorp
Classification: Likely benign. Last evaluated: 2024-02-22. Review status: criteria provided, single submitter. Criteria: Invitae Variant Classification Sherloc (09022015). Collection method: clinical testing. Allele origin: germline.